The following is an entry in ClinVar:

ClinVar aggregate classification (germline): Uncertain significance (1 of 4 stars; one submission).

Conditions:
Hereditary cancer-predisposing syndrome. Also called: Neoplastic Syndromes, Hereditary; Tumor predisposition; Hereditary neoplastic syndrome; Hereditary Cancer Syndrome. Identifiers: Orphanet 140162, MedGen C0027672, MeSH D009386, MONDO:0015356.

Submission:

Ambry Genetics
Classification: Uncertain significance for Hereditary cancer-predisposing syndrome. Last evaluated: 2023-11-13. Review status: criteria provided, single submitter. Criteria: Ambry Variant Classification Scheme 2023. Collection method: clinical testing. Allele origin: germline.
Comment: The p.G603V variant (also known as c.1808G>T), located in coding exon 10 of the SMARCA4 gene, results from a G to T substitution at nucleotide position 1808. The glycine at codon 603 is replaced by valine, an amino acid with dissimilar properties. This amino acid position is highly conserved in available vertebrate species. In addition, the in silico prediction for this alteration is inconclusive. Since supporting evidence is limited at this time, the clinical significance of this alteration remains unclear.

NM_003072.5(SMARCA4):c.1808G>T (p.Gly603Val)

Gene: SMARCA4 (SWI/SNF related BAF chromatin remodeling complex subunit ATPase 4; plus strand). Cytogenetic location: 19p13.2.
Variant type: single nucleotide variant.
Coding change: c.1808G>T on transcript NM_003072.5 (MANE Select); coding-DNA position 1808, G replaced by T.
Protein change: p.Gly603Val; replaces glycine 603 with valine.
Molecular consequence: missense variant. On other transcripts: non-coding transcript variant (1).
Genome position (GRCh38, 1-based): chr19:10,996,540, G>T. VCF-style: chr19-10996540-G-T. GRCh37 (hg19) VCF-style: chr19-11107216-G-T.
Other names: c.1808G>T, p.Gly603Val (NM_001128844.3, NM_001128845.2, NM_001128846.2 and 6 more transcripts); short protein forms G603V.
Identifiers: ClinVar variation 3233077 (VCV003233077.1), dbSNP rs1600085226, ClinGen allele CA404064899.